The following is an entry in ClinVar:

ClinVar aggregate classification (germline): Uncertain significance (1 of 4 stars; one submission).

gnomAD v4.1: 3 of 1,574,790 alleles (0.00019%); highest among the groups gnomAD compares: African/African-American, 0.0042%; no homozygotes.

Submission:

Labcorp Genetics (formerly Invitae), Labcorp
Classification: Uncertain significance. Last evaluated: 2025-02-05. Review status: criteria provided, single submitter. Criteria: Invitae Variant Classification Sherloc (09022015). Collection method: clinical testing. Allele origin: germline.
Comment: This sequence change replaces glycine, which is neutral and non-polar, with cysteine, which is neutral and slightly polar, at codon 458 of the FSCN2 protein (p.Gly458Cys). The frequency data for this variant in the population databases is considered unreliable, as metrics indicate poor data quality at this position in the gnomAD database. This variant has not been reported in the literature in individuals affected with FSCN2-related conditions. An algorithm developed to predict the effect of missense changes on protein structure and function (PolyPhen-2) suggests that this variant is likely to be disruptive. In summary, the available evidence is currently insufficient to determine the role of this variant in disease. Therefore, it has been classified as a Variant of Uncertain Significance.

NM_012418.4(FSCN2):c.1300G>T (p.Gly434Cys)

Gene: FSCN2 (fascin actin-bundling protein 2, retinal; plus strand). Cytogenetic location: 17q25.3.
Variant type: single nucleotide variant.
Coding change: c.1300G>T on transcript NM_012418.4 (MANE Select); coding-DNA position 1300, G replaced by T.
Protein change: p.Gly434Cys; replaces glycine 434 with cysteine.
Molecular consequence: missense variant.
Genome position (GRCh38, 1-based): chr17:81,536,901, G>T. VCF-style: chr17-81536901-G-T. GRCh37 (hg19) VCF-style: chr17-79503927-G-T.
Other names: c.1372G>T, p.Gly458Cys (NM_001077182.3); short protein forms G434C, G458C.
Identifiers: ClinVar variation 4767843 (VCV004767843.1).